The following is an entry in ClinVar:

NM_002485.5(NBN):c.172-1G>A

Gene: NBN (nibrin; minus strand). Cytogenetic location: 8q21.3.
Variant type: single nucleotide variant.
Coding change: c.172-1G>A on transcript NM_002485.5 (MANE Select); the canonical splice acceptor site of the intron before coding-DNA position 172, G replaced by A.
Molecular consequence: splice acceptor variant.
Genome position (GRCh38, 1-based): chr8:89,981,524, C>T on the plus strand (G>A on the coding strand, the complement: NBN is on the minus strand). VCF-style: chr8-89981524-C-T. GRCh37 (hg19) VCF-style: chr8-90993752-C-T.
Other names: c.-75-1G>A (NM_001024688.3).
Identifiers: ClinVar variation 1507391 (VCV001507391.6), dbSNP rs1391598284, ClinGen allele CA371662649.

ClinVar aggregate classification (germline): Likely pathogenic (1 of 4 stars; one submission).

Conditions:
Microcephaly, normal intelligence and immunodeficiency (NBS). Also called: BERLIN BREAKAGE SYNDROME; Nijmegen breakage syndrome; Microcephaly with normal intelligence immunodeficiency and lymphoreticular malignancies; Nonsyndromal microcephaly autosomal recessive with normal intelligence; Seemanova syndrome 2; Ataxia telangiectasia variant V1. Identifiers: Orphanet 647, MedGen C0398791, MONDO:0009623, OMIM 251260.

Submission:

Labcorp Genetics (formerly Invitae), Labcorp
Classification: Likely pathogenic for Microcephaly, normal intelligence and immunodeficiency. Last evaluated: 2021-07-24. Review status: criteria provided, single submitter. Criteria: Invitae Variant Classification Sherloc (09022015). Collection method: clinical testing. Allele origin: germline.
Comment: Algorithms developed to predict the effect of sequence changes on RNA splicing suggest that this variant may disrupt the consensus splice site. This variant has not been reported in the literature in individuals affected with NBN-related conditions. This variant is not present in population databases (ExAC no frequency). This sequence change affects an acceptor splice site in intron 2 of the NBN gene. It is expected to disrupt RNA splicing. Variants that disrupt the donor or acceptor splice site typically lead to a loss of protein function (PMID: 16199547), and loss-of-function variants in NBN are known to be pathogenic (PMID: 9590180, 16415040). In summary, the currently available evidence indicates that the variant is pathogenic, but additional data are needed to prove that conclusively. Therefore, this variant has been classified as Likely Pathogenic.

Literature cited by the submitters: PubMed 16199547; PubMed 9590180; PubMed 16415040.